The following is an entry in ClinVar:

ClinVar aggregate classification (germline): Conflicting classifications of pathogenicity. Review status: criteria provided, conflicting classifications (1 of 4 stars). 2 submissions from 2 submitters: Uncertain significance (1); Likely benign (1). Last evaluated 2025-04-20.

Conditions:
Primary ciliary dyskinesia. Also called: Ciliary dyskinesia. Identifiers: Orphanet 244, MedGen C0008780, MONDO:0016575, HP:0012265.

Allele frequency attached by ClinVar (database versions not stated): gnomAD exomes below 0.00001; gnomAD 0.00002; TOPMed 0.00001.
gnomAD v4.1: 4 of 1,178,886 alleles (0.00034%); highest among the groups gnomAD compares: Non-Finnish European, 0.00046%; no homozygotes.

Submissions (2):

Labcorp Genetics (formerly Invitae), Labcorp
Classification: Uncertain significance for Primary ciliary dyskinesia. Last evaluated: 2025-04-20. Review status: criteria provided, single submitter. Criteria: Invitae Variant Classification Sherloc (09022015). Collection method: clinical testing. Allele origin: germline.
Comment: This sequence change falls in intron 18 of the RPGR gene. It does not directly change the encoded amino acid sequence of the RPGR protein. It affects a nucleotide within the consensus splice site. This variant is present in population databases (no rsID available, gnomAD 0.001%). This variant has not been reported in the literature in individuals affected with RPGR-related conditions. ClinVar contains an entry for this variant (Variation ID: 1802312). Variants that disrupt the consensus splice site are a relatively common cause of aberrant splicing (PMID: 17576681, 9536098). Algorithms developed to predict the effect of sequence changes on RNA splicing suggest that this variant is not likely to affect RNA splicing. In summary, the available evidence is currently insufficient to determine the role of this variant in disease. Therefore, it has been classified as a Variant of Uncertain Significance.

PreventionGenetics, part of Exact Sciences
Classification: Likely benign. Last evaluated: 2019-01-21. Review status: criteria provided, single submitter. Criteria: ACMG Guidelines, 2015. Collection method: clinical testing. Allele origin: germline.

Literature cited by the submitters: PubMed 17576681 (cited by Labcorp Genetics (formerly Invitae), Labcorp); PubMed 9536098 (cited by Labcorp Genetics (formerly Invitae), Labcorp).

NM_000328.3(RPGR):c.2241+5G>A

Gene: RPGR (retinitis pigmentosa GTPase regulator; minus strand). Cytogenetic location: Xp11.4.
Variant type: single nucleotide variant.
Coding change: c.2241+5G>A on transcript NM_000328.3; 5 bases into the intron after coding-DNA position 2241, G replaced by A.
Molecular consequence: intron variant.
Genome position (GRCh38, 1-based): chrX:38,273,381, C>T on the plus strand (G>A on the coding strand, the complement: RPGR is on the minus strand). VCF-style: chrX-38273381-C-T. GRCh37 (hg19) VCF-style: chrX-38132634-C-T.
Other names: c.1938+5G>A (NM_001367248.1); c.1905+5G>A (NM_001367249.1, NM_001367250.1); c.2238+5G>A (NM_001367245.1); c.1722+5G>A (NM_001367251.1); c.2055+5G>A (NM_001367246.1); c.1908+5G>A (NM_001367247.1).
Identifiers: ClinVar variation 1802312 (VCV001802312.5), dbSNP rs1264379650, ClinGen allele CA640865472.